The following is an entry in ClinVar:

NM_000212.3(ITGB3):c.2360G>A (p.Gly787Asp)

Genes: EFCAB13-DT (EFCAB13 divergent transcript; minus strand), ITGB3 (integrin subunit beta 3; plus strand). Cytogenetic location: 17q21.32.
Variant type: single nucleotide variant.
Coding change: c.2360G>A on transcript NM_000212.3 (MANE Select); coding-DNA position 2360, G replaced by A.
Protein change: p.Gly787Asp; replaces glycine 787 with aspartic acid.
Molecular consequence: missense variant.
Genome position (GRCh38, 1-based): chr17:47,310,197, G>A. VCF-style: chr17-47310197-G-A. GRCh37 (hg19) VCF-style: chr17-45387563-G-A.
Other names: short protein forms G787D.
Identifiers: ClinVar variation 1809815 (VCV001809815.3), dbSNP rs771030070, ClinGen allele CA400034879.

ClinVar aggregate classification (germline): Uncertain significance. Review status: criteria provided, multiple submitters, no conflicts (2 of 4 stars). 2 submissions from 2 submitters: Uncertain significance (2). Last evaluated 2025-09-09.

Submissions (2):

Labcorp Genetics (formerly Invitae), Labcorp
Classification: Uncertain significance. Last evaluated: 2025-09-09. Review status: criteria provided, single submitter. Criteria: Invitae Variant Classification Sherloc (09022015). Collection method: clinical testing. Allele origin: germline.
Comment: This sequence change replaces glycine, which is neutral and non-polar, with aspartic acid, which is acidic and polar, at codon 787 of the ITGB3 protein (p.Gly787Asp). This variant is not present in population databases (gnomAD no frequency). This variant has not been reported in the literature in individuals affected with ITGB3-related conditions. ClinVar contains an entry for this variant (Variation ID: 1809815). Invitae Evidence Modeling of protein sequence and biophysical properties (such as structural, functional, and spatial information, amino acid conservation, physicochemical variation, residue mobility, and thermodynamic stability) indicates that this missense variant is expected to disrupt ITGB3 protein function with a positive predictive value of 95%. In summary, the available evidence is currently insufficient to determine the role of this variant in disease. Therefore, it has been classified as a Variant of Uncertain Significance.

GeneDx
Classification: Uncertain significance. Last evaluated: 2024-07-02. Review status: criteria provided, single submitter. Criteria: GeneDx Variant Classification Process June 2021. Collection method: clinical testing. Allele origin: germline. Affected: yes.
Comment: Not observed at significant frequency in large population cohorts (gnomAD); In silico analysis supports that this missense variant has a deleterious effect on protein structure/function; Has not been previously published as pathogenic or benign to our knowledge